The following is an entry in ClinVar:

NM_015474.4(SAMHD1):c.208+8C>T

Gene: SAMHD1 (SAM and HD domain containing deoxynucleoside triphosphate triphosphohydrolase 1; minus strand). Cytogenetic location: 20q11.23.
Variant type: single nucleotide variant.
Coding change: c.208+8C>T on transcript NM_015474.4 (MANE Select); 8 bases into the intron after coding-DNA position 208, C replaced by T.
Molecular consequence: intron variant.
Genome position (GRCh38, 1-based): chr20:36,951,428, G>A on the plus strand (C>T on the coding strand, the complement: SAMHD1 is on the minus strand). VCF-style: chr20-36951428-G-A. GRCh37 (hg19) VCF-style: chr20-35579831-G-A.
Other names: c.208+8C>T (NM_001363729.2, NM_001363733.2).
Identifiers: ClinVar variation 708903 (VCV000708903.15), dbSNP rs543987630, ClinGen allele CA9844815.

ClinVar aggregate classification (germline): Benign/Likely benign. Review status: criteria provided, multiple submitters, no conflicts (2 of 4 stars). 6 submissions from 6 submitters: Benign (1); Likely benign (3). 2 of the submissions do not count toward it. Last evaluated 2026-02-03.

Conditions:
SAMHD1-related disorder. Also called: SAMHD1-related condition.
Aicardi-Goutieres syndrome 5. Identifiers: Orphanet 51, MedGen C2749659, MONDO:0013059, OMIM 612952.
Aicardi Goutieres syndrome (AGS). Also called: Encephalopathy, familial infantile, with calcification of basal ganglia and chronic cerebrospinal fluid lymphocytosis. Identifiers: Orphanet 51, MedGen C0393591, MONDO:0018866.

Allele frequency attached by ClinVar (database versions not stated): gnomAD 0.00005 and 0.00004; gnomAD exomes 0.00005 and 0.00020; ExAC 0.00007; TOPMed 0.00011.
gnomAD v4.1: 76 of 1,613,502 alleles (0.0047%); highest among the groups gnomAD compares: Admixed American, 0.12%; no homozygotes.

Submissions (6):

Labcorp Genetics (formerly Invitae), Labcorp
Classification: Likely benign for Aicardi-Goutieres syndrome 5. Last evaluated: 2026-02-03. Review status: criteria provided, single submitter. Criteria: Invitae Variant Classification Sherloc (09022015). Collection method: clinical testing. Allele origin: germline.

Women's Health and Genetics/Laboratory Corporation of America, LabCorp
Classification: Likely benign. Last evaluated: 2025-07-28. Review status: criteria provided, single submitter. Criteria: LabCorp Variant Classification Summary - May 2015. Collection method: clinical testing. Allele origin: germline.
Comment: Variant summary: SAMHD1 c.208+8C>T alters a nucleotide located at a position not widely known to affect splicing. Consensus agreement among computation tools predict no significant impact on normal splicing. However, these predictions have yet to be confirmed by functional studies. The variant allele was found at a frequency of 0.0002 in 247260 control chromosomes. This frequency is not significantly higher than estimated for a pathogenic variant in SAMHD1 causing Aicardi-Goutieres syndrome 5 (0.0002 vs 0.0011), allowing no conclusion about variant significance. To our knowledge, no occurrence of c.208+8C>T in individuals affected with Aicardi-Goutieres syndrome 5 and no experimental evidence demonstrating its impact on protein function have been reported. ClinVar contains an entry for this variant (Variation ID: 708903). Based on the evidence outlined above, the variant was classified as likely benign.

Athena Diagnostics
Classification: Benign. Last evaluated: 2024-10-31. Review status: criteria provided, single submitter. Criteria: Athena Diagnostics Criteria. Collection method: clinical testing. Allele origin: unknown.

Blueprint Genetics
Classification: Likely benign. Last evaluated: 2021-09-28. Review status: criteria provided, single submitter. Criteria: ACMG Guidelines, 2015. Collection method: clinical testing. Allele origin: germline.

PreventionGenetics, part of Exact Sciences
Classification: Likely benign for SAMHD1-related condition. Last evaluated: 2024-08-10. Review status: no assertion criteria provided. Collection method: clinical testing. Allele origin: germline. Not counted in ClinVar's aggregate classification.
Comment: This variant is classified as likely benign based on ACMG/AMP sequence variant interpretation guidelines (Richards et al. 2015 PMID: 25741868, with internal and published modifications).

Natera, Inc.
Classification: Uncertain significance for Aicardi-Goutieres syndrome. Last evaluated: 2019-11-11. Review status: no assertion criteria provided. Collection method: clinical testing. Allele origin: germline. Not counted in ClinVar's aggregate classification.